The following is an entry in ClinVar:

NM_000334.4(SCN4A):c.532G>A (p.Ala178Thr)

Gene: SCN4A (sodium voltage-gated channel alpha subunit 4; minus strand). Cytogenetic location: 17q23.3.
Variant type: single nucleotide variant.
Coding change: c.532G>A on transcript NM_000334.4 (MANE Select); coding-DNA position 532, G replaced by A.
Protein change: p.Ala178Thr; replaces alanine 178 with threonine.
Molecular consequence: missense variant.
Genome position (GRCh38, 1-based): chr17:63,971,801, C>T on the plus strand (G>A on the coding strand, the complement: SCN4A is on the minus strand). VCF-style: chr17-63971801-C-T. GRCh37 (hg19) VCF-style: chr17-62049161-C-T.
Other names: short protein forms A178T.
Identifiers: ClinVar variation 1903948 (VCV001903948.5), dbSNP rs1293103875, ClinGen allele CA400639162.

ClinVar aggregate classification (germline): Uncertain significance (1 of 4 stars; one submission).

Conditions:
Hyperkalemic periodic paralysis. Also called: Familial hyperkalemic periodic paralysis; Gamstorp disease. Identifiers: Orphanet 682, MedGen C0238357, MONDO:0008224, OMIM 170500, HP:0007215.

Allele frequency attached by ClinVar (database versions not stated): gnomAD exomes below 0.00001.
gnomAD v4.1: 2 of 1,613,596 alleles (0.00012%); highest among the groups gnomAD compares: Admixed American, 0.0033%; no homozygotes.

Submission:

Labcorp Genetics (formerly Invitae), Labcorp
Classification: Uncertain significance for Hyperkalemic periodic paralysis. Last evaluated: 2023-08-30. Review status: criteria provided, single submitter. Criteria: Invitae Variant Classification Sherloc (09022015). Collection method: clinical testing. Allele origin: germline.
Comment: Advanced modeling of protein sequence and biophysical properties (such as structural, functional, and spatial information, amino acid conservation, physicochemical variation, residue mobility, and thermodynamic stability) has been performed at Invitae for this missense variant, however the output from this modeling did not meet the statistical confidence thresholds required to predict the impact of this variant on SCN4A protein function. In summary, the available evidence is currently insufficient to determine the role of this variant in disease. Therefore, it has been classified as a Variant of Uncertain Significance. ClinVar contains an entry for this variant (Variation ID: 1903948). This sequence change replaces alanine, which is neutral and non-polar, with threonine, which is neutral and polar, at codon 178 of the SCN4A protein (p.Ala178Thr). This variant is present in population databases (no rsID available, gnomAD 0.006%). This variant has not been reported in the literature in individuals affected with SCN4A-related conditions.